The following is an entry in ClinVar:

NM_033310.3(KCNK4):c.703G>T (p.Val235Leu)

Genes: KCNK4 (potassium two pore domain channel subfamily K member 4; plus strand), KCNK4-CATSPERZ (KCNK4-CATSPERZ readthrough (NMD candidate); plus strand). Cytogenetic location: 11q13.1.
Variant type: single nucleotide variant.
Coding change: c.703G>T on transcript NM_033310.3 (MANE Select); coding-DNA position 703, G replaced by T.
Protein change: p.Val235Leu; replaces valine 235 with leucine.
Molecular consequence: missense variant. On other transcripts: non-coding transcript variant (3).
Genome position (GRCh38, 1-based): chr11:64,298,151, G>T. VCF-style: chr11-64298151-G-T. GRCh37 (hg19) VCF-style: chr11-64065623-G-T.
Other names: c.703G>T, p.Val235Leu (NM_001317090.2, NM_033311.1); short protein forms V235L.
Identifiers: ClinVar variation 2850923 (VCV002850923.3), dbSNP rs2495694380, ClinGen allele CA381066135.
Genomic context (GRCh38, chr11:64,298,151, plus strand): 5'-TTCCCTGGTGGTATCCCAGGCGCGGACCCCAGGCAGGACTCCCCGGCCTATCAGCCGCTG[G>T]TGTGGTTCTGGATCCTGCTCGGCCTGGCTTACTTCGCCTCAGTGCTCACCACCATCGGGA-3'
Protein context (NP_201567.1, residues 225-245): RQDSPAYQPL[Val235Leu]WFWILLGLAY

ClinVar aggregate classification (germline): Uncertain significance (1 of 4 stars; one submission).

Allele frequency attached by ClinVar (database versions not stated): gnomAD exomes below 0.00001.
gnomAD v4.1: 1 of 1,613,946 alleles (0.000062%); highest among the groups gnomAD compares: Non-Finnish European, 0.000085%; no homozygotes.

Submission:

Labcorp Genetics (formerly Invitae), Labcorp
Classification: Uncertain significance. Last evaluated: 2023-03-30. Review status: criteria provided, single submitter. Criteria: Invitae Variant Classification Sherloc (09022015). Collection method: clinical testing. Allele origin: germline.
Comment: This variant has not been reported in the literature in individuals affected with KCNK4-related conditions. An algorithm developed to predict the effect of missense changes on protein structure and function (PolyPhen-2) suggests that this variant is likely to be disruptive. In summary, the available evidence is currently insufficient to determine the role of this variant in disease. Therefore, it has been classified as a Variant of Uncertain Significance. This variant is not present in population databases (gnomAD no frequency). This sequence change replaces valine, which is neutral and non-polar, with leucine, which is neutral and non-polar, at codon 235 of the KCNK4 protein (p.Val235Leu).